The following is an entry in ClinVar:

ClinVar aggregate classification (germline): Uncertain significance. Review status: criteria provided, multiple submitters, no conflicts (2 of 4 stars). 4 submissions from 4 submitters: Uncertain significance (4). Last evaluated 2025-09-24.

Conditions:
Autoimmune lymphoproliferative syndrome type 1. Also called: AUTOIMMUNE LYMPHOPROLIFERATIVE SYNDROME, TYPE I, AUTOSOMAL DOMINANT. Identifiers: Orphanet 3261, MedGen C2717884, MONDO:0011158, OMIM 601859.
Autoimmune lymphoproliferative syndrome type 2A (ALPS2A). Also called: CASP10-Related Autoimmune Lymphoproliferative Syndrome; AUTOIMMUNE LYMPHOPROLIFERATIVE SYNDROME, TYPE IIA; Autoimmune lymphoproliferative syndrome type 2. Identifiers: Orphanet 3261, MedGen C1858968, MONDO:0011383, OMIM 603909.

Allele frequency attached by ClinVar (database versions not stated): gnomAD 0.00002 and 0.00003; ExAC 0.00003; TOPMed 0.00007; gnomAD exomes 0.00010.
gnomAD v4.1: 62 of 1,611,942 alleles (0.0038%); highest among the groups gnomAD compares: East Asian, 0.051%; no homozygotes.

Submissions (4):

Genesolutions, Medical Genetics Institutes, Ho Chi Minh City, Vietnam
Classification: Uncertain significance for Autoimmune lymphoproliferative syndrome type 2A. Last evaluated: 2025-09-24. Review status: criteria provided, single submitter. Criteria: ACMG Guidelines, 2015. Collection method: clinical testing. Allele origin: germline. Affected: yes.

Labcorp Genetics (formerly Invitae), Labcorp
Classification: Uncertain significance for Autoimmune lymphoproliferative syndrome type 2A. Last evaluated: 2024-12-17. Review status: criteria provided, single submitter. Criteria: Invitae Variant Classification Sherloc (09022015). Collection method: clinical testing. Allele origin: germline.
Comment: This sequence change creates a premature translational stop signal (p.Arg109*) in the CASP10 gene. It is expected to result in an absent or disrupted protein product. However, the current clinical and genetic evidence is not sufficient to establish whether loss-of-function variants in CASP10 cause disease. This variant is present in population databases (rs201601111, gnomAD 0.1%), and has an allele count higher than expected for a pathogenic variant. This variant has not been reported in the literature in individuals affected with CASP10-related conditions. ClinVar contains an entry for this variant (Variation ID: 801852). In summary, the available evidence is currently insufficient to determine the role of this variant in disease. Therefore, it has been classified as a Variant of Uncertain Significance.

Mendelics
Classification: Uncertain significance for Autoimmune lymphoproliferative syndrome type 1. Last evaluated: 2019-05-28. Review status: criteria provided, single submitter. Criteria: Mendelics Assertion Criteria 2017. Collection method: clinical testing. Allele origin: unknown.

Neuberg Centre For Genomic Medicine, NCGM
Classification: Uncertain significance for Autoimmune lymphoproliferative syndrome type 2A. Review status: criteria provided, single submitter. Criteria: ACMG Guidelines, 2015. Collection method: clinical testing. Allele origin: germline. Inheritance: Autosomal dominant inheritance. Affected: yes.
Comment: The stop gained variant c.325C>T (p.Arg109Ter) in CASP10 gene has not been reported previously in the literature in individuals with CASP10-related conditions. This sequence change creates a premature translational stop signal (p.Arg109*) in the CASP10 gene. It is expected to result in an absent or disrupted protein product. This variant has been reported to the ClinVar database as Uncertain Significance. The variant is novel (not in any individuals) in 1000 Genomes, present in the gnomAD exomes database with a frequency of 0.01% and in the ExAC population database with a frequency of 0.02%. The nucleotide change in CASP10 is predicted as conserved by GERP++ and PhyloP across 100 vertebrates. The current clinical and genetic evidence is not sufficient to establish whether loss-of-function variants in CASP10 cause disease. In summary, the available evidence is currently insufficient to determine the role of this variant in disease. For these reasons, this variant has been classified as Uncertain Significance.

NM_032977.4(CASP10):c.325C>T (p.Arg109Ter)

Gene: CASP10 (caspase 10; plus strand). Cytogenetic location: 2q33.1.
Variant type: single nucleotide variant.
Coding change: c.325C>T on transcript NM_032977.4 (MANE Select); coding-DNA position 325, C replaced by T.
Protein change: p.Arg109Ter; replaces arginine 109 with a stop codon.
Molecular consequence: nonsense.
Genome position (GRCh38, 1-based): chr2:201,186,102, C>T. VCF-style: chr2-201186102-C-T. GRCh37 (hg19) VCF-style: chr2-202050825-C-T.
Other names: c.325C>T, p.Arg109Ter (NM_001206524.2, NM_001206542.2, NM_001230.5 and 3 more transcripts); short protein forms R109*.
Identifiers: ClinVar variation 801852 (VCV000801852.10), dbSNP rs201601111, ClinGen allele CA2052815.